The following is an entry in ClinVar:

NM_005883.3(APC2):c.6551G>C (p.Arg2184Pro)

Gene: APC2 (APC regulator of Wnt signaling pathway 2; plus strand). Cytogenetic location: 19p13.3.
Variant type: single nucleotide variant.
Coding change: c.6551G>C on transcript NM_005883.3 (MANE Select); coding-DNA position 6551, G replaced by C.
Protein change: p.Arg2184Pro; replaces arginine 2184 with proline.
Molecular consequence: missense variant.
Genome position (GRCh38, 1-based): chr19:1,469,852, G>C. VCF-style: chr19-1469852-G-C. GRCh37 (hg19) VCF-style: chr19-1469851-G-C.
Other names: c.6548G>C, p.Arg2183Pro (NM_001351273.1); short protein forms R2184P, R2183P.
Identifiers: ClinVar variation 2061067 (VCV002061067.7), dbSNP rs763459814, ClinGen allele CA9046159.

ClinVar aggregate classification (germline): Conflicting classifications of pathogenicity. Review status: criteria provided, conflicting classifications (1 of 4 stars). 4 submissions from 4 submitters: Uncertain significance (3); Likely benign (1). Last evaluated 2026-01-05.

Conditions:
Inborn genetic diseases. Identifiers: MedGen C0950123, MeSH D030342.

gnomAD v4.1: 153 of 1,519,550 alleles (0.01%); highest among the groups gnomAD compares: Admixed American, 0.29%; no homozygotes.

Submissions (4):

Labcorp Genetics (formerly Invitae), Labcorp
Classification: Likely benign. Last evaluated: 2026-01-05. Review status: criteria provided, single submitter. Criteria: Invitae Variant Classification Sherloc (09022015). Collection method: clinical testing. Allele origin: germline.

Blueprint Genetics
Classification: Uncertain significance. Last evaluated: 2024-09-20. Review status: criteria provided, single submitter. Criteria: ACMG Guidelines, 2015. Collection method: clinical testing. Allele origin: germline.

Women's Health and Genetics/Laboratory Corporation of America, LabCorp
Classification: Uncertain significance. Last evaluated: 2023-10-17. Review status: criteria provided, single submitter. Criteria: LabCorp Variant Classification Summary - May 2015. Collection method: clinical testing. Allele origin: germline.
Comment: Variant summary: APC2 c.6551G>C (p.Arg2184Pro) results in a non-conservative amino acid change in the encoded protein sequence. Three of four in-silico tools predict a damaging effect of the variant on protein function. The variant allele was found at a frequency of 0.00098 in 113744 control chromosomes, predominantly at a frequency of 0.0048 within the Latino subpopulation in the gnomAD database. To our knowledge, no occurrence of c.6551G>C in individuals affected with APC2-Related Disorders and no experimental evidence demonstrating its impact on protein function have been reported. Two submitters have cited clinical-significance assessments for this variant to ClinVar after 2014. One submitter classified the variant as likely benign, and one submitter classified the variant as uncertain significance. Based on the evidence outlined above, the variant was classified as uncertain significance.

Ambry Genetics
Classification: Uncertain significance for Inborn genetic diseases. Last evaluated: 2021-02-12. Review status: criteria provided, single submitter. Criteria: Ambry Variant Classification Scheme 2023. Collection method: clinical testing. Allele origin: germline.
Comment: The c.6551G>C (p.R2184P) alteration is located in exon 15 (coding exon 14) of the APC2 gene. This alteration results from a G to C substitution at nucleotide position 6551, causing the arginine (R) at amino acid position 2184 to be replaced by a proline (P). The in silico prediction for the p.R2184P alteration is inconclusive. Based on insufficient or conflicting evidence, the clinical significance of this alteration remains unclear.